The following is an entry in ClinVar:

NM_001042492.3(NF1):c.1190G>A (p.Cys397Tyr)

Gene: NF1 (neurofibromin 1; plus strand). Cytogenetic location: 17q11.2.
Variant type: single nucleotide variant.
Coding change: c.1190G>A on transcript NM_001042492.3 (MANE Select); coding-DNA position 1190, G replaced by A.
Protein change: p.Cys397Tyr; replaces cysteine 397 with tyrosine.
Molecular consequence: missense variant.
Genome position (GRCh38, 1-based): chr17:31,201,415, G>A. VCF-style: chr17-31201415-G-A. GRCh37 (hg19) VCF-style: chr17-29528433-G-A.
Other names: c.1190G>A, p.Cys397Tyr (NM_000267.4, NM_001128147.3); short protein forms C397Y.
Identifiers: ClinVar variation 1720504 (VCV001720504.9), dbSNP rs786201937, ClinGen allele CA398997421.

ClinVar aggregate classification (germline): Uncertain significance. Review status: criteria provided, multiple submitters, no conflicts (2 of 4 stars). 2 submissions from 2 submitters: Uncertain significance (2). Last evaluated 2025-09-22.

Conditions:
Neurofibromatosis, type 1 (NF1). Also called: Peripheral type neurofibromatosis; VON RECKLINGHAUSEN DISEASE; NEUROFIBROMATOSIS, TYPE I, SOMATIC; Neurofibromatosis, type I. Identifiers: Orphanet 636, MedGen C0027831, MONDO:0018975, OMIM 162200. Disease mechanism: loss of function.
Cardiovascular phenotype. Identifiers: MedGen CN230736.
Hereditary cancer-predisposing syndrome. Also called: Hereditary neoplastic syndrome; Tumor predisposition; Neoplastic Syndromes, Hereditary; Hereditary Cancer Syndrome. Identifiers: Orphanet 140162, MedGen C0027672, MeSH D009386, MONDO:0015356.

Allele frequency attached by ClinVar (database versions not stated): TOPMed below 0.00001; gnomAD 0.00001.
gnomAD v4.1: 1 of 1,604,872 alleles (0.000062%); highest among the groups gnomAD compares: Non-Finnish European, 0.000085%; no homozygotes.

Submissions (2):

Ambry Genetics
Classification: Uncertain significance for Cardiovascular phenotype; Hereditary cancer-predisposing syndrome. Last evaluated: 2025-09-22. Review status: criteria provided, single submitter. Criteria: Ambry Variant Classification Scheme 2023. Collection method: clinical testing. Allele origin: germline.
Comment: The c.1190G>A (p.C397Y) alteration is located in exon 11 (coding exon 11) of the NF1 gene. This alteration results from a G to A substitution at nucleotide position 1190, causing the cysteine (C) at amino acid position 397 to be replaced by a tyrosine (Y). This variant was not reported in population-based cohorts in the Genome Aggregation Database (gnomAD). This amino acid position is highly conserved in available vertebrate species. This alteration is predicted to be deleterious by in silico analysis. Based on insufficient or conflicting evidence, the clinical significance of this alteration remains unclear.

Labcorp Genetics (formerly Invitae), Labcorp
Classification: Uncertain significance for Neurofibromatosis, type 1. Last evaluated: 2022-09-27. Review status: criteria provided, single submitter. Criteria: Invitae Variant Classification Sherloc (09022015). Collection method: clinical testing. Allele origin: germline.
Comment: This variant has not been reported in the literature in individuals affected with NF1-related conditions. In summary, the available evidence is currently insufficient to determine the role of this variant in disease. Therefore, it has been classified as a Variant of Uncertain Significance. Advanced modeling of protein sequence and biophysical properties (such as structural, functional, and spatial information, amino acid conservation, physicochemical variation, residue mobility, and thermodynamic stability) performed at Invitae indicates that this missense variant is expected to disrupt NF1 protein function. This variant is not present in population databases (gnomAD no frequency). This sequence change replaces cysteine, which is neutral and slightly polar, with tyrosine, which is neutral and polar, at codon 397 of the NF1 protein (p.Cys397Tyr).